The following is an entry in ClinVar:

ClinVar aggregate classification (germline): Uncertain significance (1 of 4 stars; one submission).

Conditions:
Familial cold autoinflammatory syndrome 3 (FCAS3). Also called: FAMILIAL ATYPICAL COLD URTICARIA; ANTIBODY DEFICIENCY AND IMMUNE DYSREGULATION, PLCG2-ASSOCIATED. Identifiers: Orphanet 300359, MedGen C3280914, MONDO:0013766, OMIM 614468.
Autoinflammation-PLCG2-associated antibody deficiency-immune dysregulation. Also called: Autoinflammation, antibody deficiency, and immune dysregulation syndrome; Autoinflammation, antibody deficiency, and immune dysregulation, plcg2-associated; AUTOINFLAMMATION, ANTIBODY DEFICIENCY, AND IMMUNE DYSREGULATION. Identifiers: Orphanet 324530, MedGen C3553961, MONDO:0013944, OMIM 614878.

Allele frequency attached by ClinVar (database versions not stated): TOPMed 0.00001.
gnomAD v4.1: 1 of 1,614,194 alleles (0.000062%); highest among the groups gnomAD compares: Non-Finnish European, 0.000085%; no homozygotes.

Submission:

Laboratorio de Genetica e Diagnostico Molecular, Hospital Israelita Albert Einstein
Classification: Uncertain significance for Familial cold autoinflammatory syndrome 3; Autoinflammation-PLCG2-associated antibody deficiency-immune dysregulation. Last evaluated: 2021-02-17. Review status: criteria provided, single submitter. Criteria: ACMG Guidelines, 2015. Collection method: clinical testing. Allele origin: germline. Affected: yes.
Comment: ACMG classification criteria: PM2 moderate

NM_002661.5(PLCG2):c.105G>A (p.Lys35=)

Gene: PLCG2 (phospholipase C gamma 2; plus strand). Cytogenetic location: 16q23.3.
Variant type: single nucleotide variant.
Coding change: c.105G>A on transcript NM_002661.5 (MANE Select); coding-DNA position 105, G replaced by A.
Protein change: p.Lys35=; no amino-acid change (lysine 35 retained).
Molecular consequence: synonymous variant.
Genome position (GRCh38, 1-based): chr16:81,786,094, G>A. VCF-style: chr16-81786094-G-A. GRCh37 (hg19) VCF-style: chr16-81819699-G-A.
Identifiers: ClinVar variation 1683597 (VCV001683597.2), dbSNP rs1910957870, ClinGen allele CA496701276.